The following is an entry in ClinVar:

NM_001395656.1(ROBO2):c.4113A>G (p.Pro1371=)

Gene: ROBO2 (roundabout guidance receptor 2; plus strand). Cytogenetic location: 3p12.3.
Variant type: single nucleotide variant.
Coding change: c.4113A>G on transcript NM_001395656.1 (MANE Select); coding-DNA position 4113, A replaced by G.
Protein change: p.Pro1371=; no amino-acid change (proline 1371 retained).
Molecular consequence: synonymous variant. On other transcripts: intron variant (18).
Genome position (GRCh38, 1-based): chr3:77,642,837, A>G. VCF-style: chr3-77642837-A-G. GRCh37 (hg19) VCF-style: chr3-77691988-A-G.
Other names: c.4161A>G, p.Pro1387= (NM_001378190.1); c.4287A>G, p.Pro1429= (NM_001378191.1); c.4182A>G, p.Pro1394= (NM_001378192.1); c.4101A>G, p.Pro1367= (NM_001378193.1); c.4296A>G, p.Pro1432= (NM_001394212.1); c.4121-1867A>G (NM_001378195.1, NM_001378196.1); c.3995-1867A>G (NM_001378200.1, NM_001378201.1); c.3821-1867A>G (NM_001378203.1); and 11 more.
Identifiers: ClinVar variation 4681921 (VCV004681921.5).

ClinVar aggregate classification (germline): Likely benign (1 of 4 stars; one submission).

Submission:

CeGaT Center for Human Genetics Tuebingen
Classification: Likely benign. Last evaluated: 2025-12-01. Review status: criteria provided, single submitter. Criteria: CeGaT Center For Human Genetics Tuebingen Variant Classification Criteria Version 2. Collection method: clinical testing. Allele origin: germline. Affected: yes. Observed: 1 variant allele.
Comment: ROBO2: PM2:Supporting, BP4, BP7